The following is an entry in ClinVar:

ClinVar aggregate classification (germline): Uncertain significance (1 of 4 stars; one submission).

Submission:

GeneDx
Classification: Uncertain significance. Last evaluated: 2024-08-05. Review status: criteria provided, single submitter. Criteria: GeneDx Variant Classification Process June 2021. Collection method: clinical testing. Allele origin: germline. Affected: yes.
Comment: Frameshift variant predicted to result in protein truncation or nonsense mediated decay in a gene for which loss of function is a known mechanism of disease; Has not been previously published as pathogenic or benign to our knowledge

NM_002715.4(PPP2CA):c.47_48delinsC (p.Gln16fs)

Genes: MIR3661 (microRNA 3661; plus strand), PPP2CA (protein phosphatase 2 catalytic subunit alpha; minus strand). Cytogenetic location: 5q31.1.
Variant type: Indel.
Coding change: c.47_48delinsC on transcript NM_002715.4 (MANE Select); coding-DNA positions 47 to 48, AG replaced by C.
Protein change: p.Gln16fs; shifts the reading frame from glutamine 16.
Molecular consequence: frameshift variant. On other transcripts: non-coding transcript variant (1).
Genome position (GRCh38, 1-based): chr5:134,225,814-134,225,815, CT replaced by G on the plus strand (AG replaced by C on the coding strand, the reverse complement: PPP2CA is on the minus strand). VCF-style: chr5-134225814-CT-G. GRCh37 (hg19) VCF-style: chr5-133561505-CT-G.
Other names: short protein forms Q16fs.
Identifiers: ClinVar variation 3603244 (VCV003603244.1).